The following is an entry in ClinVar:

ClinVar aggregate classification (germline): Uncertain significance (1 of 4 stars; one submission).

Conditions:
Intellectual developmental disorder with paroxysmal dyskinesia or seizures. Identifiers: MedGen C5436894, MONDO:0030900, OMIM 619150.

gnomAD v4.1: 51 of 794,464 alleles (0.0064%); highest among the groups gnomAD compares: African/African-American, 0.077%; no homozygotes.

Submission:

3billion
Classification: Uncertain significance for Intellectual developmental disorder with paroxysmal dyskinesia or seizures. Last evaluated: 2025-10-15. Review status: criteria provided, single submitter. Criteria: ACMG Guidelines, 2015. Collection method: clinical testing. Allele origin: germline. Affected: yes.
Comment: The variant is observed at an extremely low frequency in the gnomAD v4.1.0 dataset (total allele frequency: 0.006%). Predicted Consequence/Location: Intron variant In silico tools predict the variant to alter splicing and produce an abnormal transcript [SpliceAI: 0.67 (>=0.2, moderate evidence for spliceogenicity)]. Therefore, this variant is classified as VUS according to the recommendation of ACMG/AMP guideline.

NM_002599.5(PDE2A):c.2469+90G>A

Gene: PDE2A (phosphodiesterase 2A; minus strand). Cytogenetic location: 11q13.4.
Variant type: single nucleotide variant.
Coding change: c.2469+90G>A on transcript NM_002599.5 (MANE Select); 90 bases into the intron after coding-DNA position 2469, G replaced by A.
Molecular consequence: intron variant.
Genome position (GRCh38, 1-based): chr11:72,578,807, C>T on the plus strand (G>A on the coding strand, the complement: PDE2A is on the minus strand). VCF-style: chr11-72578807-C-T. GRCh37 (hg19) VCF-style: chr11-72289851-C-T.
Other names: c.2406+90G>A (NM_001243784.2); c.2442+90G>A (NM_001146209.3); c.2448+90G>A (NM_001143839.4).
Identifiers: ClinVar variation 4854380 (VCV004854380.1).